The following is an entry in ClinVar:

ClinVar aggregate classification (germline): Uncertain significance (1 of 4 stars; one submission).

Conditions:
Cardiovascular phenotype. Identifiers: MedGen CN230736.

Submission:

Ambry Genetics
Classification: Uncertain significance for Cardiovascular phenotype. Last evaluated: 2026-07-19. Review status: criteria provided, single submitter. Criteria: Ambry Variant Classification Scheme 2023. Collection method: clinical testing. Allele origin: germline.
Comment: The p.R235G variant (also known as c.703A>G), located in coding exon 1 of the KCNJ2 gene, results from an A to G substitution at nucleotide position 703. The arginine at codon 235 is replaced by glycine, an amino acid with dissimilar properties. This amino acid position is conserved. In addition, this alteration is predicted to be deleterious by in silico analysis. Based on the available evidence, the clinical significance of this variant remains unclear.

NM_000891.3(KCNJ2):c.703A>G (p.Arg235Gly)

Gene: KCNJ2 (potassium inwardly rectifying channel subfamily J member 2; plus strand). Cytogenetic location: 17q24.3.
Variant type: single nucleotide variant.
Coding change: c.703A>G on transcript NM_000891.3 (MANE Select); coding-DNA position 703, A replaced by G.
Protein change: p.Arg235Gly; replaces arginine 235 with glycine.
Molecular consequence: missense variant.
Genome position (GRCh38, 1-based): chr17:70,175,742, A>G. VCF-style: chr17-70175742-A-G. GRCh37 (hg19) VCF-style: chr17-68171883-A-G.
Other names: short protein forms R235G.
Identifiers: ClinVar variation 5023000 (VCV005023000.1).